The following is an entry in ClinVar:

NM_000059.4(BRCA2):c.9631A>G (p.Thr3211Ala)

Gene: BRCA2 (BRCA2 DNA repair associated; plus strand). Cytogenetic location: 13q13.1.
Variant type: single nucleotide variant.
Coding change: c.9631A>G on transcript NM_000059.4 (MANE Select); coding-DNA position 9631, A replaced by G.
Protein change: p.Thr3211Ala; replaces threonine 3211 with alanine.
Molecular consequence: missense variant. On other transcripts: non-coding transcript variant (1).
Genome position (GRCh38, 1-based): chr13:32,397,027, A>G. VCF-style: chr13-32397027-A-G. GRCh37 (hg19) VCF-style: chr13-32971164-A-G.
Other names: c.9535A>G, p.Thr3179Ala (NM_001406719.1); c.9580A>G, p.Thr3194Ala (NM_001406720.1); c.4699A>G, p.Thr1567Ala (NM_001406721.1); c.3214A>G, p.Thr1072Ala (NM_001406722.1); short protein forms T1072A, T1567A, T3179A, T3194A, T3211A.
Identifiers: ClinVar variation 3230216 (VCV003230216.1), dbSNP rs2137659729, ClinGen allele CA387763756.
Genomic context (GRCh38, chr13:32,397,027, plus strand): 5'-TGGTCCACCCCAACTAAAGACTGTACTTCAGGGCCGTACACTGCTCAAATCATTCCTGGT[A>G]CAGGAAACAAGCTTCTGGTAAGTTAATGTAAACTCAAGGAATATTATAAGAAGTATATAT-3'
Protein context (NP_000050.3, residues 3201-3221): GPYTAQIIPG[Thr3211Ala]GNKLLMSSPN

ClinVar aggregate classification (germline): Uncertain significance (1 of 4 stars; one submission).

Conditions:
Hereditary cancer-predisposing syndrome. Also called: Neoplastic Syndromes, Hereditary; Tumor predisposition; Hereditary neoplastic syndrome; Hereditary Cancer Syndrome. Identifiers: Orphanet 140162, MedGen C0027672, MeSH D009386, MONDO:0015356.

Submission:

Ambry Genetics
Classification: Uncertain significance for Hereditary cancer-predisposing syndrome. Last evaluated: 2023-12-04. Review status: criteria provided, single submitter. Criteria: Ambry Variant Classification Scheme 2023. Collection method: clinical testing. Allele origin: germline.
Comment: The p.T3211A variant (also known as c.9631A>G), located in coding exon 25 of the BRCA2 gene, results from an A to G substitution at nucleotide position 9631. The threonine at codon 3211 is replaced by alanine, an amino acid with similar properties. This amino acid position is conserved. In addition, this alteration is predicted to be tolerated by in silico analysis. Since supporting evidence is limited at this time, the clinical significance of this alteration remains unclear.